The following is an entry in ClinVar:

NM_001079802.2(FKTN):c.952G>A (p.Val318Ile)

Gene: FKTN (fukutin; plus strand). Cytogenetic location: 9q31.2.
Variant type: single nucleotide variant.
Coding change: c.952G>A on transcript NM_001079802.2 (MANE Select); coding-DNA position 952, G replaced by A.
Protein change: p.Val318Ile; replaces valine 318 with isoleucine.
Molecular consequence: missense variant. On other transcripts: non-coding transcript variant (1).
Genome position (GRCh38, 1-based): chr9:105,618,000, G>A. VCF-style: chr9-105618000-G-A. GRCh37 (hg19) VCF-style: chr9-108380281-G-A.
Other names: c.952G>A, p.Val318Ile (NM_001198963.2, NM_001351496.2, NM_001351498.2 and 1 more transcripts); c.883G>A, p.Val295Ile (NM_001351497.2); c.556G>A, p.Val186Ile (NM_001351499.2, NM_001351500.2, NM_001351501.2 and 1 more transcripts); short protein forms V318I, V295I, V186I.
Identifiers: ClinVar variation 407108 (VCV000407108.10), dbSNP rs141120187, ClinGen allele CA5170539.

ClinVar aggregate classification (germline): Uncertain significance. Review status: criteria provided, single submitter (1 of 4 stars). 2 submissions from 2 submitters: Uncertain significance (1). 1 of the submissions does not count toward it. Last evaluated 2021-08-31.

Conditions:
Walker-Warburg congenital muscular dystrophy. Also called: Muscular dystrophy-dystroglycanopathy, type A; Walker-Warburg syndrome. Identifiers: Orphanet 899, MedGen C0265221, MONDO:0000171.

Allele frequency attached by ClinVar (database versions not stated): gnomAD below 0.00001 and 0.00001; gnomAD exomes 0.00001; ExAC 0.00002; ESP Exome Variant Server 0.00008.
gnomAD v4.1: 7 of 1,590,512 alleles (0.00044%); highest among the groups gnomAD compares: South Asian, 0.0055%; no homozygotes.

Submissions (2):

Labcorp Genetics (formerly Invitae), Labcorp
Classification: Uncertain significance for Walker-Warburg congenital muscular dystrophy. Last evaluated: 2021-08-31. Review status: criteria provided, single submitter. Criteria: Invitae Variant Classification Sherloc (09022015). Collection method: clinical testing. Allele origin: germline.
Comment: This sequence change replaces valine with isoleucine at codon 318 of the FKTN protein (p.Val318Ile). The valine residue is highly conserved and there is a small physicochemical difference between valine and isoleucine. This variant is present in population databases (rs141120187, ExAC 0.01%). This variant has not been reported in the literature in individuals affected with FKTN-related conditions. Algorithms developed to predict the effect of missense changes on protein structure and function are either unavailable or do not agree on the potential impact of this missense change (SIFT: "Tolerated"; PolyPhen-2: "Possibly Damaging"; Align-GVGD: "Class C0"). In summary, the available evidence is currently insufficient to determine the role of this variant in disease. Therefore, it has been classified as a Variant of Uncertain Significance.

Natera, Inc.
Classification: Uncertain significance for Walker-Warburg congenital muscular dystrophy. Last evaluated: 2019-10-28. Review status: no assertion criteria provided. Collection method: clinical testing. Allele origin: germline. Not counted in ClinVar's aggregate classification.